The following is an entry in ClinVar:

ClinVar aggregate classification (germline): Likely benign. Review status: criteria provided, multiple submitters, no conflicts (2 of 4 stars). 2 submissions from 2 submitters: Likely benign (2). Last evaluated 2024-10-08.

Allele frequency attached by ClinVar (database versions not stated): ExAC 0.00003; gnomAD 0.00003; TOPMed 0.00003.
gnomAD v4.1: 89 of 1,613,876 alleles (0.0055%); highest among the groups gnomAD compares: South Asian, 0.036%; no homozygotes.

Submissions (2):

Blueprint Genetics
Classification: Likely benign. Last evaluated: 2024-10-08. Review status: criteria provided, single submitter. Criteria: ACMG Guidelines, 2015. Collection method: clinical testing. Allele origin: germline.

CeGaT Center for Human Genetics Tuebingen
Classification: Likely benign. Last evaluated: 2023-04-01. Review status: criteria provided, single submitter. Criteria: CeGaT Center For Human Genetics Tuebingen Variant Classification Criteria Version 2. Collection method: clinical testing. Allele origin: germline. Affected: yes. Observed: 1 variant allele.
Comment: GJB4: BP4, BP7

NM_153212.3(GJB4):c.120G>A (p.Ala40=)

Gene: GJB4 (gap junction protein beta 4; plus strand). Cytogenetic location: 1p34.3.
Variant type: single nucleotide variant.
Coding change: c.120G>A on transcript NM_153212.3 (MANE Select); coding-DNA position 120, G replaced by A.
Protein change: p.Ala40=; no amino-acid change (alanine 40 retained).
Molecular consequence: synonymous variant.
Genome position (GRCh38, 1-based): chr1:34,761,374, G>A. VCF-style: chr1-34761374-G-A. GRCh37 (hg19) VCF-style: chr1-35226975-G-A.
Identifiers: ClinVar variation 2638640 (VCV002638640.25), dbSNP rs764338808, ClinGen allele CA754480.